The following is an entry in ClinVar:

ClinVar aggregate classification (germline): Uncertain significance (1 of 4 stars; one submission).

Allele frequency attached by ClinVar (database versions not stated): gnomAD exomes below 0.00001.
gnomAD v4.1: 4 of 1,613,334 alleles (0.00025%); highest among the groups gnomAD compares: Non-Finnish European, 0.00034%; no homozygotes.

Submission:

Labcorp Genetics (formerly Invitae), Labcorp
Classification: Uncertain significance. Last evaluated: 2022-11-08. Review status: criteria provided, single submitter. Criteria: Invitae Variant Classification Sherloc (09022015). Collection method: clinical testing. Allele origin: germline.
Comment: In summary, the available evidence is currently insufficient to determine the role of this variant in disease. Therefore, it has been classified as a Variant of Uncertain Significance. Advanced modeling of protein sequence and biophysical properties (such as structural, functional, and spatial information, amino acid conservation, physicochemical variation, residue mobility, and thermodynamic stability) performed at Invitae indicates that this missense variant is not expected to disrupt WNT3A protein function. ClinVar contains an entry for this variant (Variation ID: 1475847). This variant has not been reported in the literature in individuals affected with WNT3A-related conditions. This variant is not present in population databases (gnomAD no frequency). This sequence change replaces glutamic acid, which is acidic and polar, with aspartic acid, which is acidic and polar, at codon 254 of the WNT3A protein (p.Glu254Asp).

NM_033131.4(WNT3A):c.762G>T (p.Glu254Asp)

Gene: WNT3A (Wnt family member 3A; plus strand). Cytogenetic location: 1q42.13.
Variant type: single nucleotide variant.
Coding change: c.762G>T on transcript NM_033131.4 (MANE Select); coding-DNA position 762, G replaced by T.
Protein change: p.Glu254Asp; replaces glutamic acid 254 with aspartic acid.
Molecular consequence: missense variant.
Genome position (GRCh38, 1-based): chr1:228,059,168, G>T. VCF-style: chr1-228059168-G-T. GRCh37 (hg19) VCF-style: chr1-228246869-G-T.
Other names: short protein forms E254D.
Identifiers: ClinVar variation 1475847 (VCV001475847.8), dbSNP rs1393525016, ClinGen allele CA345336861.